The following is an entry in ClinVar:

NM_014956.5(CEP164):c.1568C>A (p.Ser523Tyr)

Gene: CEP164 (centrosomal protein 164; plus strand). Cytogenetic location: 11q23.3.
Variant type: single nucleotide variant.
Coding change: c.1568C>A on transcript NM_014956.5 (MANE Select); coding-DNA position 1568, C replaced by A.
Protein change: p.Ser523Tyr; replaces serine 523 with tyrosine.
Molecular consequence: missense variant.
Genome position (GRCh38, 1-based): chr11:117,381,859, C>A. VCF-style: chr11-117381859-C-A. GRCh37 (hg19) VCF-style: chr11-117252575-C-A.
Other names: c.1568C>A (NM_014956.4); c.1577C>A, p.Ser526Tyr (NM_001271933.2); short protein forms S523Y, S526Y.
Identifiers: ClinVar variation 1024196 (VCV001024196.7), dbSNP rs997835172, ClinGen allele CA229397770.
Genomic context (GRCh38, chr11:117,381,859, plus strand): 5'-AGTGGAAGGAGGCAGAGGAGCTTGGGGAGGACTCTGCAGCCAGCCTCAGCCTGCAGCTGT[C>A]CCTCCAGAGGTAAGGATGAGGGGAAGCATCCTCATGAGGATGAGGGCTGGTGGCTGCTCT-3'
Protein context (NP_055771.4, residues 513-533): DSAASLSLQL[Ser523Tyr]LQREQAPSPP

ClinVar aggregate classification (germline): Uncertain significance. Review status: criteria provided, multiple submitters, no conflicts (2 of 4 stars). 3 submissions from 3 submitters: Uncertain significance (3). Last evaluated 2025-03-12.

Conditions:
CEP164-related disorder. Also called: CEP164-related condition.
Nephronophthisis 15 (NPHP15). Identifiers: Orphanet 3156, MedGen C3541853, MONDO:0013917, OMIM 614845.

Allele frequency attached by ClinVar (database versions not stated): TOPMed 0.00001.
gnomAD v4.1: 6 of 1,511,564 alleles (0.0004%); highest among the groups gnomAD compares: Admixed American, 0.0088%; no homozygotes.

Submissions (3):

PreventionGenetics, part of Exact Sciences
Classification: Uncertain significance for CEP164-related condition. Last evaluated: 2025-03-12. Review status: criteria provided, single submitter. Criteria: ACMG Guidelines, 2015. Collection method: clinical testing. Allele origin: germline.
Comment: The CEP164 c.1568C>A variant is predicted to result in the amino acid substitution p.Ser523Tyr. To our knowledge, this variant has not been reported in the literature. This variant is reported in 0.016% of alleles in individuals of Latino descent in gnomAD. At this time, the clinical significance of this variant is uncertain due to the absence of conclusive functional and genetic evidence.

Fulgent Genetics
Classification: Uncertain significance for Nephronophthisis 15. Last evaluated: 2024-05-31. Review status: criteria provided, single submitter. Criteria: ACMG Guidelines, 2015. Collection method: clinical testing. Allele origin: germline.

Labcorp Genetics (formerly Invitae), Labcorp
Classification: Uncertain significance for Nephronophthisis 15. Last evaluated: 2023-12-14. Review status: criteria provided, single submitter. Criteria: Invitae Variant Classification Sherloc (09022015). Collection method: clinical testing. Allele origin: germline.
Comment: This sequence change replaces serine, which is neutral and polar, with tyrosine, which is neutral and polar, at codon 523 of the CEP164 protein (p.Ser523Tyr). This variant is present in population databases (no rsID available, gnomAD 0.02%). This variant has not been reported in the literature in individuals affected with CEP164-related conditions. ClinVar contains an entry for this variant (Variation ID: 1024196). An algorithm developed to predict the effect of missense changes on protein structure and function (PolyPhen-2) suggests that this variant is likely to be disruptive. In summary, the available evidence is currently insufficient to determine the role of this variant in disease. Therefore, it has been classified as a Variant of Uncertain Significance.